The following is an entry in ClinVar:

ClinVar aggregate classification (germline): Conflicting classifications of pathogenicity. Review status: criteria provided, conflicting classifications (1 of 4 stars). 4 submissions from 4 submitters: Uncertain significance (1); Likely benign (2). 1 of the submissions does not count toward it. Last evaluated 2026-01-25.

Conditions:
Hereditary cancer-predisposing syndrome. Also called: Neoplastic Syndromes, Hereditary; Tumor predisposition; Hereditary Cancer Syndrome; Hereditary neoplastic syndrome. Identifiers: Orphanet 140162, MedGen C0027672, MeSH D009386, MONDO:0015356.
Hereditary breast ovarian cancer syndrome. Also called: Breast and ovarian cancer; Hereditary breast and ovarian cancer; Hereditary breast and/or ovarian cancer syndrome; BRCA1- and BRCA2-Associated Hereditary Breast and Ovarian Cancer; Hereditary breast and ovarian cancer syndrome; Hereditary breast and ovarian cancer syndrome (HBOC). Identifiers: Orphanet 145, MedGen C0677776, MeSH D061325, MONDO:0003582. Disease mechanism: loss of function.

Submissions (4):

Labcorp Genetics (formerly Invitae), Labcorp
Classification: Uncertain significance for Hereditary breast ovarian cancer syndrome. Last evaluated: 2026-01-25. Review status: criteria provided, single submitter. Criteria: Invitae Variant Classification Sherloc (09022015). Collection method: clinical testing. Allele origin: germline.
Comment: This sequence change replaces glutamic acid, which is acidic and polar, with lysine, which is basic and polar, at codon 2121 of the BRCA2 protein (p.Glu2121Lys). This variant is not present in population databases (gnomAD no frequency). This variant has not been reported in the literature in individuals affected with BRCA2-related conditions. ClinVar contains an entry for this variant (Variation ID: 142020). Invitae Evidence Modeling of protein sequence and biophysical properties (such as structural, functional, and spatial information, amino acid conservation, physicochemical variation, residue mobility, and thermodynamic stability) indicates that this missense variant is not expected to disrupt BRCA2 protein function with a negative predictive value of 95%. In summary, the available evidence is currently insufficient to determine the role of this variant in disease. Therefore, it has been classified as a Variant of Uncertain Significance.

Ambry Genetics
Classification: Likely benign for Hereditary cancer-predisposing syndrome. Last evaluated: 2024-09-04. Review status: criteria provided, single submitter. Criteria: Ambry Variant Classification Scheme 2023. Collection method: clinical testing. Allele origin: germline.

University of Washington Department of Laboratory Medicine, University of Washington
Classification: Likely benign for Hereditary cancer-predisposing syndrome. Last evaluated: 2023-03-23. Review status: criteria provided, single submitter. Criteria: Dines et al. (Genet Med. 2020). Collection method: curation. Allele origin: germline.
Comment: Missense variant in a coldspot region where missense variants are very unlikely to be pathogenic (PMID:31911673).

BRCA2 exon 11 coldspot. Reclassification based on statistical prior probability.

Research Molecular Genetics Laboratory, Women's College Hospital, University of Toronto
Classification: Uncertain significance. Last evaluated: 2014-01-31. Review status: no assertion criteria provided. Collection method: research. Allele origin: germline. Affected: yes. Study: The Canadian Open Genetics Repository (COGR). Not counted in ClinVar's aggregate classification.

NM_000059.4(BRCA2):c.6361G>A (p.Glu2121Lys)

Gene: BRCA2 (BRCA2 DNA repair associated; plus strand). Cytogenetic location: 13q13.1.
Variant type: single nucleotide variant.
Coding change: c.6361G>A on transcript NM_000059.4 (MANE Select); coding-DNA position 6361, G replaced by A.
Protein change: p.Glu2121Lys; replaces glutamic acid 2121 with lysine.
Molecular consequence: missense variant.
Genome position (GRCh38, 1-based): chr13:32,340,716, G>A. VCF-style: chr13-32340716-G-A. GRCh37 (hg19) VCF-style: chr13-32914853-G-A.
Other names: short protein forms E2121K.
Identifiers: ClinVar variation 142020 (VCV000142020.10), dbSNP rs587782183, ClinGen allele CA023952.